The following is an entry in ClinVar:

NM_001382273.1(TNK2):c.148G>A (p.Gly50Ser)

Gene: TNK2 (tyrosine kinase non receptor 2; minus strand). Cytogenetic location: 3q29.
Variant type: single nucleotide variant.
Coding change: c.148G>A on transcript NM_001382273.1 (MANE Select); coding-DNA position 148, G replaced by A.
Protein change: p.Gly50Ser; replaces glycine 50 with serine.
Molecular consequence: missense variant. On other transcripts: non-coding transcript variant (15).
Genome position (GRCh38, 1-based): chr3:195,888,441, C>T on the plus strand (G>A on the coding strand, the complement: TNK2 is on the minus strand). VCF-style: chr3-195888441-C-T. GRCh37 (hg19) VCF-style: chr3-195615312-C-T.
Other names: c.220G>A, p.Gly74Ser (NM_001010938.2, NM_001382272.1, NM_001387708.1 and 1 more transcripts); c.244G>A, p.Gly82Ser (NM_001308046.2, NM_001382271.1, NM_001382275.1 and 1 more transcripts); c.148G>A, p.Gly50Ser (NM_001382274.1, NM_001386164.1, NM_001387709.1 and 12 more transcripts); short protein forms G82S, G74S, G50S.
Identifiers: ClinVar variation 2510837 (VCV002510837.4), dbSNP rs202061093, ClinGen allele CA2777015.

ClinVar aggregate classification (germline): Uncertain significance. Review status: criteria provided, multiple submitters, no conflicts (2 of 4 stars). 2 submissions from 2 submitters: Uncertain significance (2). Last evaluated 2025-04-02.

Allele frequency attached by ClinVar (database versions not stated): TOPMed 0.00004; ExAC 0.00005; 1000 Genomes Project 0.00020; gnomAD exomes 0.00005; gnomAD 0.00007; 1000 Genomes Project 30x 0.00016.
gnomAD v4.1: 74 of 1,613,670 alleles (0.0046%); highest among the groups gnomAD compares: East Asian, 0.062%; no homozygotes.

Submissions (2):

Labcorp Genetics (formerly Invitae), Labcorp
Classification: Uncertain significance. Last evaluated: 2025-04-02. Review status: criteria provided, single submitter. Criteria: Invitae Variant Classification Sherloc (09022015). Collection method: clinical testing. Allele origin: germline.
Comment: This sequence change replaces glycine, which is neutral and non-polar, with serine, which is neutral and polar, at codon 113 of the TNK2 protein (p.Gly113Ser). This variant is present in population databases (rs202061093, gnomAD 0.02%). This variant has not been reported in the literature in individuals affected with TNK2-related conditions. ClinVar contains an entry for this variant (Variation ID: 2510837). An algorithm developed to predict the effect of missense changes on protein structure and function (PolyPhen-2) suggests that this variant is likely to be disruptive. In summary, the available evidence is currently insufficient to determine the role of this variant in disease. Therefore, it has been classified as a Variant of Uncertain Significance.

Ambry Genetics
Classification: Uncertain significance. Last evaluated: 2023-05-22. Review status: criteria provided, single submitter. Criteria: Ambry Variant Classification Scheme 2023. Collection method: clinical testing. Allele origin: germline.